The following is an entry in ClinVar:

ClinVar aggregate classification (germline): Conflicting classifications of pathogenicity. Review status: criteria provided, conflicting classifications (1 of 4 stars). 6 submissions from 6 submitters: Uncertain significance (1); Likely benign (4). 1 of the submissions does not count toward it. Last evaluated 2026-02-01.

Conditions:
Bardet-Biedl syndrome (BBS). Identifiers: Orphanet 110, MedGen C0752166, MONDO:0015229.
Bardet-Biedl syndrome 10 (BBS10). Identifiers: Orphanet 110, MedGen C1859568, MONDO:0014438, OMIM 615987.

Allele frequency attached by ClinVar (database versions not stated): 1000 Genomes Project 30x 0.00016; TOPMed 0.00086; ESP Exome Variant Server 0.00108.

Submissions (6):

Labcorp Genetics (formerly Invitae), Labcorp
Classification: Likely benign for Bardet-Biedl syndrome. Last evaluated: 2026-02-01. Review status: criteria provided, single submitter. Criteria: Invitae Variant Classification Sherloc (09022015). Collection method: clinical testing. Allele origin: germline.

CeGaT Center for Human Genetics Tuebingen
Classification: Likely benign. Last evaluated: 2025-04-01. Review status: criteria provided, single submitter. Criteria: CeGaT Center For Human Genetics Tuebingen Variant Classification Criteria Version 2. Collection method: clinical testing. Allele origin: germline. Affected: yes. Observed: 2 variant alleles.
Comment: BBS10: BP4, BP7

Blueprint Genetics
Classification: Likely benign. Last evaluated: 2024-11-26. Review status: criteria provided, single submitter. Criteria: ACMG Guidelines, 2015. Collection method: clinical testing. Allele origin: germline.

Illumina Laboratory Services, Illumina
Classification: Uncertain significance for Bardet-Biedl syndrome 10. Last evaluated: 2018-01-12. Review status: criteria provided, single submitter. Criteria: ICSL Variant Classification Criteria 13 December 2019. Collection method: clinical testing. Allele origin: germline.

Women's Health and Genetics/Laboratory Corporation of America, LabCorp
Classification: Likely benign. Last evaluated: 2016-03-07. Review status: criteria provided, single submitter. Criteria: LabCorp Variant Classification Summary - May 2015. Collection method: clinical testing. Allele origin: germline.
Comment: Variant summary: The c.1158G>A in BBS10 gene is a synonymous change that involves a non-conserved nucleotide. 5/5 programs in Alamut predict that this variant does not affect normal splicing, however no functional studies supporting this notion were published at the time of evaluation. The variant is present in the control population dataset of ExAC at an overall frequency of 0.098%, predominantly in individuals of European origin (0.17%). The observed frequency slightly exceeds the maximum expected allele frequency for a pathogenic BBS10 variant of 0.13%, suggesting that the variant may be a rare functional polymorphism. The variant has not, to our knowledge, been reported in affected patients via publication and/or reputable databases/clinical laboratories. Taken together, this variant has been classified as Likely Benign, until more information becomes available.

Natera, Inc.
Classification: Likely benign for Bardet-Biedl syndrome type 10. Last evaluated: 2020-09-16. Review status: no assertion criteria provided. Collection method: clinical testing. Allele origin: germline. Not counted in ClinVar's aggregate classification.

NM_024685.4(BBS10):c.1158G>A (p.Leu386=)

Gene: BBS10 (Bardet-Biedl syndrome 10; minus strand). Cytogenetic location: 12q21.2.
Variant type: single nucleotide variant.
Coding change: c.1158G>A on transcript NM_024685.4 (MANE Select); coding-DNA position 1158, G replaced by A.
Protein change: p.Leu386=; no amino-acid change (leucine 386 retained).
Molecular consequence: synonymous variant.
Genome position (GRCh38, 1-based): chr12:76,346,827, C>T on the plus strand (G>A on the coding strand, the complement: BBS10 is on the minus strand). VCF-style: chr12-76346827-C-T. GRCh37 (hg19) VCF-style: chr12-76740607-C-T.
Other names: c.1158G>A, p.Leu386= (LRG_1255t1).
Identifiers: ClinVar variation 310492 (VCV000310492.44), dbSNP rs138702315, ClinGen allele CA6694215.
Genomic context (GRCh38, chr12:76,346,827, plus strand): 5'-GAGACCATGCACTGGTCCACAAAGAACTATAGAGTGTGGTATAAATGCACATGTGCTTAT[C>T]AAGCCTAGATGAACATATCTTTTGGATCTAAGGATAAGAGGTTTACAAAATTTCACCAAA-3'
Protein context (NP_078961.3, residues 376-396): LRSKRYVHLG[Leu386=]ISTCAFIPHS